The following is an entry in ClinVar:

NM_201550.4(LRRC10):c.652A>G (p.Ile218Val)

Gene: LRRC10 (leucine rich repeat containing 10; minus strand). Cytogenetic location: 12q15.
Variant type: single nucleotide variant.
Coding change: c.652A>G on transcript NM_201550.4 (MANE Select); coding-DNA position 652, A replaced by G.
Protein change: p.Ile218Val; replaces isoleucine 218 with valine.
Molecular consequence: missense variant.
Genome position (GRCh38, 1-based): chr12:69,610,187, T>C on the plus strand (A>G on the coding strand, the complement: LRRC10 is on the minus strand). VCF-style: chr12-69610187-T-C. GRCh37 (hg19) VCF-style: chr12-70003967-T-C.
Other names: short protein forms I218V.
Identifiers: ClinVar variation 952991 (VCV000952991.9), dbSNP rs1882347534, ClinGen allele CA385735730.

ClinVar aggregate classification (germline): Uncertain significance (1 of 4 stars; one submission).

Allele frequency attached by ClinVar (database versions not stated): gnomAD exomes below 0.00001.

Submission:

Labcorp Genetics (formerly Invitae), Labcorp
Classification: Uncertain significance. Last evaluated: 2022-10-19. Review status: criteria provided, single submitter. Criteria: Invitae Variant Classification Sherloc (09022015). Collection method: clinical testing. Allele origin: germline.
Comment: This sequence change replaces isoleucine, which is neutral and non-polar, with valine, which is neutral and non-polar, at codon 218 of the LRRC10 protein (p.Ile218Val). This variant is not present in population databases (gnomAD no frequency). This variant has not been reported in the literature in individuals affected with LRRC10-related conditions. ClinVar contains an entry for this variant (Variation ID: 952991). Algorithms developed to predict the effect of missense changes on protein structure and function are either unavailable or do not agree on the potential impact of this missense change (SIFT: "Tolerated"; PolyPhen-2: "Probably Damaging"; Align-GVGD: "Class C0"). In summary, the available evidence is currently insufficient to determine the role of this variant in disease. Therefore, it has been classified as a Variant of Uncertain Significance.